The following is an entry in ClinVar:

ClinVar aggregate classification (germline): Uncertain significance (1 of 4 stars; one submission).

Conditions:
Long QT syndrome (LQTS). Identifiers: MedGen C0023976, MeSH D008133, MONDO:0002442. Disease mechanism: loss of function. Inheritance: Various modes of inheritance.

Allele frequency attached by ClinVar (database versions not stated): ExAC 0.00001; gnomAD 0.00001; TOPMed 0.00002.
gnomAD v4.1: 2 of 1,614,076 alleles (0.00012%); highest among the groups gnomAD compares: African/African-American, 0.0027%; no homozygotes.

Submission:

Labcorp Genetics (formerly Invitae), Labcorp
Classification: Uncertain significance for Long QT syndrome. Last evaluated: 2022-05-27. Review status: criteria provided, single submitter. Criteria: Invitae Variant Classification Sherloc (09022015). Collection method: clinical testing. Allele origin: germline.
Comment: Algorithms developed to predict the effect of missense changes on protein structure and function are either unavailable or do not agree on the potential impact of this missense change (SIFT: "Deleterious"; PolyPhen-2: "Probably Damaging"; Align-GVGD: "Class C0"). This variant has not been reported in the literature in individuals affected with AKAP9-related conditions. This variant is present in population databases (rs757551255, gnomAD 0.008%). This sequence change replaces lysine, which is basic and polar, with threonine, which is neutral and polar, at codon 3664 of the AKAP9 protein (p.Lys3664Thr). In summary, the available evidence is currently insufficient to determine the role of this variant in disease. Therefore, it has been classified as a Variant of Uncertain Significance.

NM_005751.5(AKAP9):c.10991A>C (p.Lys3664Thr)

Gene: AKAP9 (A-kinase anchoring protein 9; plus strand). Cytogenetic location: 7q21.2.
Variant type: single nucleotide variant.
Coding change: c.10991A>C on transcript NM_005751.5 (MANE Select); coding-DNA position 10991, A replaced by C.
Protein change: p.Lys3664Thr; replaces lysine 3664 with threonine.
Molecular consequence: missense variant.
Genome position (GRCh38, 1-based): chr7:92,100,950, A>C. VCF-style: chr7-92100950-A-C. GRCh37 (hg19) VCF-style: chr7-91730264-A-C.
Other names: c.5636A>C, p.Lys1879Thr (NM_001379277.1); c.10967A>C, p.Lys3656Thr (NM_147185.3); short protein forms K3656T, K1879T, K3664T.
Identifiers: ClinVar variation 2142732 (VCV002142732.4), dbSNP rs757551255, ClinGen allele CA4338066.